The following is an entry in ClinVar:

ClinVar aggregate classification (germline): Uncertain significance (1 of 4 stars; one submission).

Conditions:
Familial intrahepatic cholestasis. Identifiers: Orphanet 284385, MedGen CN296401, MONDO:0017290.

Submission:

Genomenon, Inc
Classification: Uncertain significance for Familial intrahepatic cholestasis. Last evaluated: 2026-04-14. Review status: criteria provided, single submitter. Criteria: Genomenon Sequence Variant Interpretation Standards - Updated. Collection method: curation. Allele origin: germline. Affected: yes.
Comment: ABCB11 p.Leu589Met (c.1765C>A) is a missense variant that changes the amino acid at residue 589 from Leucine to Methionine. This variant has been observed in at least one proband with an ABCB11-related disorder (PMID:32942997). It is absent or not present at a significant frequency in gnomAD. In conclusion, we classify ABCB11 p.Leu589Met (c.1765C>A) as a variant of uncertain significance.

Literature cited by the submitters: PubMed 32942997.

NM_003742.4(ABCB11):c.1765C>A (p.Leu589Met)

Gene: ABCB11 (ATP binding cassette subfamily B member 11; minus strand). Cytogenetic location: 2q31.1.
Variant type: single nucleotide variant.
Coding change: c.1765C>A on transcript NM_003742.4 (MANE Select); coding-DNA position 1765, C replaced by A.
Protein change: p.Leu589Met; replaces leucine 589 with methionine.
Molecular consequence: missense variant.
Genome position (GRCh38, 1-based): chr2:168,970,089, G>T on the plus strand (C>A on the coding strand, the complement: ABCB11 is on the minus strand). VCF-style: chr2-168970089-G-T. GRCh37 (hg19) VCF-style: chr2-169826599-G-T.
Other names: short protein forms L589M.
Identifiers: ClinVar variation 4846092 (VCV004846092.1).
Genomic context (GRCh38, chr2:168,970,089, plus strand): 5'-TAAGACTTCCACAAACCTTACTCAGCACTTCTTGCACCATGGCTTCACTCTCATTGTCCA[G>T]AGCTGAGGTGGCCATGTCCAAAAGCAGAATCTTGGGATTTCGGATGAGGGCTCTGGCGAT-3'
Protein context (NP_003733.2, residues 579-599): ILLLDMATSA[Leu589Met]DNESEAMVQE